The following is an entry in ClinVar:

ClinVar aggregate classification (germline): Uncertain significance (1 of 4 stars; one submission).

Conditions:
Rubinstein-Taybi syndrome (RSTS). Identifiers: Orphanet 783, MedGen C0035934, MONDO:0019188.

Submission:

Labcorp Genetics (formerly Invitae), Labcorp
Classification: Uncertain significance for Rubinstein-Taybi syndrome. Last evaluated: 2025-11-24. Review status: criteria provided, single submitter. Criteria: Invitae Variant Classification Sherloc (09022015). Collection method: clinical testing. Allele origin: germline.
Comment: This sequence change replaces glutamic acid, which is acidic and polar, with lysine, which is basic and polar, at codon 241 of the CREBBP protein (p.Glu241Lys). This variant is not present in population databases (gnomAD no frequency). This variant has not been reported in the literature in individuals affected with CREBBP-related conditions. ClinVar contains an entry for this variant (Variation ID: 2004941). Invitae Evidence Modeling of protein sequence and biophysical properties (such as structural, functional, and spatial information, amino acid conservation, physicochemical variation, residue mobility, and thermodynamic stability) indicates that this missense variant is not expected to disrupt CREBBP protein function with a negative predictive value of 95%. In summary, the available evidence is currently insufficient to determine the role of this variant in disease. Therefore, it has been classified as a Variant of Uncertain Significance.

NM_004380.3(CREBBP):c.721G>A (p.Glu241Lys)

Gene: CREBBP (CREB binding lysine acetyltransferase; minus strand). Cytogenetic location: 16p13.3.
Variant type: single nucleotide variant.
Coding change: c.721G>A on transcript NM_004380.3 (MANE Select); coding-DNA position 721, G replaced by A.
Protein change: p.Glu241Lys; replaces glutamic acid 241 with lysine.
Molecular consequence: missense variant.
Genome position (GRCh38, 1-based): chr16:3,850,374, C>T on the plus strand (G>A on the coding strand, the complement: CREBBP is on the minus strand). VCF-style: chr16-3850374-C-T. GRCh37 (hg19) VCF-style: chr16-3900375-C-T.
Other names: c.721G>A, p.Glu241Lys (NM_001079846.1); short protein forms E241K.
Identifiers: ClinVar variation 2004941 (VCV002004941.4), dbSNP rs2548544083, ClinGen allele CA394559378.
Genomic context (GRCh38, chr16:3,850,374, plus strand): 5'-CCTGTGCGGTGTTCAGTCCCGCGTGACCAGTCATTTGCGGGGAAACCTGCGTTAGGGTCT[C>T]AGCCAGCACGCTGCTCGAGGCGCCCTGCATGGCTGGAGTAGGGTACGGCATTCCAGCTCC-3'
Protein context (NP_004371.2, residues 231-251): MQGASSSVLA[Glu241Lys]TLTQVSPQMT